The following is an entry in ClinVar:

NM_004380.3(CREBBP):c.258A>G (p.Ile86Met)

Gene: CREBBP (CREB binding lysine acetyltransferase; minus strand). Cytogenetic location: 16p13.3.
Variant type: single nucleotide variant.
Coding change: c.258A>G on transcript NM_004380.3 (MANE Select); coding-DNA position 258, A replaced by G.
Protein change: p.Ile86Met; replaces isoleucine 86 with methionine.
Molecular consequence: missense variant.
Genome position (GRCh38, 1-based): chr16:3,850,837, T>C on the plus strand (A>G on the coding strand, the complement: CREBBP is on the minus strand). VCF-style: chr16-3850837-T-C. GRCh37 (hg19) VCF-style: chr16-3900838-T-C.
Other names: c.258A>G, p.Ile86Met (NM_001079846.1); short protein forms I86M.
Identifiers: ClinVar variation 977893 (VCV000977893.4), dbSNP rs2054819160, ClinGen allele CA394561831.

ClinVar aggregate classification (germline): Uncertain significance. Review status: criteria provided, single submitter (1 of 4 stars). 2 submissions from 2 submitters: Uncertain significance (1). 1 of the submissions does not count toward it. Last evaluated 2022-11-10.

Conditions:
Rubinstein-Taybi syndrome (RSTS). Identifiers: Orphanet 783, MedGen C0035934, MONDO:0019188.
Rubinstein-Taybi syndrome due to CREBBP mutations (RSTS1). Also called: BROAD THUMBS AND GREAT TOES, CHARACTERISTIC FACIES, AND IMPAIRED INTELLECTUAL DEVELOPMENT; RUBINSTEIN-TAYBI SYNDROME 1, INCOMPLETE; BROAD THUMB-HALLUX SYNDROME; Rubinstein-Taybi syndrome 1; RUBINSTEIN SYNDROME; CREBBP-Related Rubinstein-Taybi Syndrome. Identifiers: Orphanet 353277, Orphanet 783, MedGen C4551859, MONDO:0008393, OMIM 180849.

Allele frequency attached by ClinVar (database versions not stated): TOPMed below 0.00001.
gnomAD v4.1: 1 of 1,614,196 alleles (0.000062%); highest among the groups gnomAD compares: African/African-American, 0.0013%; no homozygotes.

Submissions (2):

Labcorp Genetics (formerly Invitae), Labcorp
Classification: Uncertain significance for Rubinstein-Taybi syndrome. Last evaluated: 2022-11-10. Review status: criteria provided, single submitter. Criteria: Invitae Variant Classification Sherloc (09022015). Collection method: clinical testing. Allele origin: germline.
Comment: This sequence change replaces isoleucine, which is neutral and non-polar, with methionine, which is neutral and non-polar, at codon 86 of the CREBBP protein (p.Ile86Met). This variant is not present in population databases (gnomAD no frequency). This variant has not been reported in the literature in individuals affected with CREBBP-related conditions. ClinVar contains an entry for this variant (Variation ID: 977893). Algorithms developed to predict the effect of missense changes on protein structure and function (SIFT, PolyPhen-2, Align-GVGD) all suggest that this variant is likely to be tolerated. In summary, the available evidence is currently insufficient to determine the role of this variant in disease. Therefore, it has been classified as a Variant of Uncertain Significance.

Service de Génétique Moléculaire, Hôpital Robert Debré
Classification: Likely benign for Rubinstein-Taybi syndrome due to CREBBP mutations. Review status: no assertion criteria provided. Collection method: clinical testing. Allele origin: unknown. Affected: yes. Not counted in ClinVar's aggregate classification.